The following is an entry in ClinVar:

NM_004260.4(RECQL4):c.310G>C (p.Asp104His)

Gene: RECQL4 (RecQ like helicase 4; minus strand). Cytogenetic location: 8q24.3.
Variant type: single nucleotide variant.
Coding change: c.310G>C on transcript NM_004260.4 (MANE Select); coding-DNA position 310, G replaced by C.
Protein change: p.Asp104His; replaces aspartic acid 104 with histidine.
Molecular consequence: missense variant.
Genome position (GRCh38, 1-based): chr8:144,517,094, C>G on the plus strand (G>C on the coding strand, the complement: RECQL4 is on the minus strand). VCF-style: chr8-144517094-C-G. GRCh37 (hg19) VCF-style: chr8-145742478-C-G.
Other names: c.-824G>C (NM_001413027.1, NM_001413030.1, NM_001413031.1 and 1 more transcripts); c.-487G>C (NM_001413028.1); c.310G>C, p.Asp104His (NM_001413029.1, NM_001413033.1, NM_001413036.1 and 5 more transcripts); c.-721G>C (NM_001413032.1); c.-666G>C (NM_001413034.1); c.-659G>C (NM_001413035.1, NM_001413024.1); c.-762G>C (NM_001413037.1, NM_001413038.1, NM_001413040.1 and 3 more transcripts); c.-1031G>C (NM_001413043.1); and 2 more; short protein forms D104H, D61H.
Identifiers: ClinVar variation 1722037 (VCV001722037.5), dbSNP rs755423437, ClinGen allele CA372692052.
Genomic context (GRCh38, chr8:144,517,094, plus strand): 5'-CCTGCCCACTCCTCACCTGCAGGGTGCCTTTCAGATTGGCCTTGAGCCGCTGCCCGTAGT[C>G]CGGCACCGAGCCCTGGCGGCTCCGCCCTGGCGTAGACTGTGGACTCTTGGTCGCAGCCCG-3'
Protein context (NP_004251.4, residues 94-114): PGRSRQGSVP[Asp104His]YGQRLKANLK

ClinVar aggregate classification (germline): Uncertain significance (1 of 4 stars; one submission).

Conditions:
Baller-Gerold syndrome (BGS). Also called: CRANIOSYNOSTOSIS WITH RADIAL DEFECTS. Identifiers: Orphanet 1225, MedGen C0265308, MONDO:0009039, OMIM 218600.

Submission:

Labcorp Genetics (formerly Invitae), Labcorp
Classification: Uncertain significance for Baller-Gerold syndrome. Last evaluated: 2022-10-21. Review status: criteria provided, single submitter. Criteria: Invitae Variant Classification Sherloc (09022015). Collection method: clinical testing. Allele origin: germline.
Comment: This sequence change replaces aspartic acid, which is acidic and polar, with histidine, which is basic and polar, at codon 104 of the RECQL4 protein (p.Asp104His). This variant is not present in population databases (gnomAD no frequency). This variant has not been reported in the literature in individuals affected with RECQL4-related conditions. Advanced modeling of protein sequence and biophysical properties (such as structural, functional, and spatial information, amino acid conservation, physicochemical variation, residue mobility, and thermodynamic stability) performed at Invitae indicates that this missense variant is not expected to disrupt RECQL4 protein function. In summary, the available evidence is currently insufficient to determine the role of this variant in disease. Therefore, it has been classified as a Variant of Uncertain Significance.